The following is an entry in ClinVar:

NM_003743.5(NCOA1):c.3796T>C (p.Ser1266Pro)

Gene: NCOA1 (nuclear receptor coactivator 1; plus strand). Cytogenetic location: 2p23.3.
Variant type: single nucleotide variant.
Coding change: c.3796T>C on transcript NM_003743.5 (MANE Select); coding-DNA position 3796, T replaced by C.
Protein change: p.Ser1266Pro; replaces serine 1266 with proline.
Molecular consequence: missense variant.
Genome position (GRCh38, 1-based): chr2:24,752,071, T>C. VCF-style: chr2-24752071-T-C. GRCh37 (hg19) VCF-style: chr2-24974940-T-C.
Other names: c.3796T>C, p.Ser1266Pro (NM_001362950.1, NM_001362952.1, NM_001362954.1 and 3 more transcripts); short protein forms S1266P.
Identifiers: ClinVar variation 3347476 (VCV003347476.1).
Genomic context (GRCh38, chr2:24,752,071, plus strand): 5'-GCTCCATCTCTAAGCCCTGGGAGCTCCATGGTGCCGATGCCAATCCCTCCTCCTCAGAGT[T>C]CTCTTCTCCAGCAAACTCCACCTGCCTCCGGGTATCAGTCACCAGACATGAAGGCCTGGC-3'
Protein context (NP_003734.3, residues 1256-1276): VPMPIPPPQS[Ser1266Pro]LLQQTPPASG

ClinVar aggregate classification (germline): Uncertain significance (0 of 4 stars; one submission).

Conditions:
NCOA1-related disorder. Also called: NCOA1-related condition.

gnomAD v4.1: 1 of 1,614,168 alleles (0.000062%); highest among the groups gnomAD compares: Admixed American, 0.0017%; no homozygotes.

Submission:

PreventionGenetics, part of Exact Sciences
Classification: Uncertain significance for NCOA1-related condition. Last evaluated: 2024-07-18. Review status: no assertion criteria provided. Collection method: clinical testing. Allele origin: germline.
Comment: The NCOA1 c.3796T>C variant is predicted to result in the amino acid substitution p.Ser1266Pro. To our knowledge, this variant has not been reported in the literature or in gnomAD, indicating this variant is rare. At this time, the clinical significance of this variant is uncertain due to the absence of conclusive functional and genetic evidence.